The following is an entry in ClinVar:

ClinVar aggregate classification (germline): Uncertain significance (1 of 4 stars; one submission).

Conditions:
Amyotrophic lateral sclerosis type 6. Also called: AMYOTROPHIC LATERAL SCLEROSIS 6 WITHOUT FRONTOTEMPORAL DEMENTIA; FUS-Related Amyotrophic Laterial Sclerosis; Amyotrophic lateral sclerosis 6, with or without frontotemporal dementia. Identifiers: Orphanet 275872, Orphanet 803, MedGen C2931786, MONDO:0011951, OMIM 608030.
Tremor, hereditary essential, 4 (ETM4). Identifiers: MedGen C3539195, MONDO:0013888, OMIM 614782.

Submission:

Labcorp Genetics (formerly Invitae), Labcorp
Classification: Uncertain significance for Tremor, hereditary essential, 4; Amyotrophic lateral sclerosis type 6. Last evaluated: 2024-02-17. Review status: criteria provided, single submitter. Criteria: Invitae Variant Classification Sherloc (09022015). Collection method: clinical testing. Allele origin: germline.
Comment: This sequence change replaces glycine, which is neutral and non-polar, with valine, which is neutral and non-polar, at codon 230 of the FUS protein (p.Gly230Val). This variant is not present in population databases (gnomAD no frequency). This variant has not been reported in the literature in individuals affected with FUS-related conditions. ClinVar contains an entry for this variant (Variation ID: 2097416). Experimental studies and prediction algorithms are not available or were not evaluated, and the functional significance of this variant is currently unknown. In summary, the available evidence is currently insufficient to determine the role of this variant in disease. Therefore, it has been classified as a Variant of Uncertain Significance.

NM_004960.4(FUS):c.689G>T (p.Gly230Val)

Gene: FUS (FUS RNA binding protein; plus strand). Cytogenetic location: 16p11.2.
Variant type: single nucleotide variant.
Coding change: c.689G>T on transcript NM_004960.4 (MANE Select); coding-DNA position 689, G replaced by T.
Protein change: p.Gly230Val; replaces glycine 230 with valine.
Molecular consequence: missense variant. On other transcripts: non-coding transcript variant (1).
Genome position (GRCh38, 1-based): chr16:31,185,104, G>T. VCF-style: chr16-31185104-G-T. GRCh37 (hg19) VCF-style: chr16-31196425-G-T.
Other names: c.686G>T, p.Gly229Val (NM_001170634.1); c.677G>T, p.Gly226Val (NM_001170937.1); short protein forms G226V, G229V, G230V.
Identifiers: ClinVar variation 2097416 (VCV002097416.4), dbSNP rs2544257625, ClinGen allele CA395670248.